The following is an entry in ClinVar:

NM_001203.3(BMPR1B):c.-112-1G>A

Gene: BMPR1B (bone morphogenetic protein receptor type 1B; plus strand). Cytogenetic location: 4q22.3.
Variant type: single nucleotide variant.
Coding change: c.-112-1G>A on transcript NM_001203.3 (MANE Select); the canonical splice acceptor site of the intron before 112 bases upstream of the start codon, G replaced by A.
Molecular consequence: splice acceptor variant. On other transcripts: 5 prime UTR variant (1).
Genome position (GRCh38, 1-based): chr4:94,996,039, G>A. VCF-style: chr4-94996039-G-A. GRCh37 (hg19) VCF-style: chr4-95917190-G-A.
Other names: c.-363G>A (NM_001256792.2).
Identifiers: ClinVar variation 4813887 (VCV004813887.1).

ClinVar aggregate classification (germline): Uncertain significance (1 of 4 stars; one submission).

Submission:

GeneDx
Classification: Uncertain significance. Last evaluated: 2025-09-15. Review status: criteria provided, single submitter. Criteria: GeneDx Variant Classification Process June 2021. Collection method: clinical testing. Allele origin: germline. Affected: yes.
Comment: In silico analysis supports a deleterious effect on splicing; Has not been previously published as pathogenic or benign to our knowledge; No data available from control populations to assess the frequency of this variant; Located in a regulatory region; in the absence of functional studies, the actual effect of this sequence change is unknown